The following is an entry in ClinVar:

NM_001083619.3(GRIA2):c.213C>G (p.Phe71Leu)

Gene: GRIA2 (glutamate ionotropic receptor AMPA type subunit 2; plus strand). Cytogenetic location: 4q32.1.
Variant type: single nucleotide variant.
Coding change: c.213C>G on transcript NM_001083619.3 (MANE Select); coding-DNA position 213, C replaced by G.
Protein change: p.Phe71Leu; replaces phenylalanine 71 with leucine.
Molecular consequence: missense variant.
Genome position (GRCh38, 1-based): chr4:157,221,791, C>G. VCF-style: chr4-157221791-C-G. GRCh37 (hg19) VCF-style: chr4-158142943-C-G.
Other names: c.213C>G, p.Phe71Leu (NM_000826.6); c.72C>G, p.Phe24Leu (NM_001083620.3, NM_001379000.3, NM_001379001.3); short protein forms F24L, F71L.
Identifiers: ClinVar variation 4890700 (VCV004890700.1).
Genomic context (GRCh38, chr4:157,221,791, plus strand): 5'-TTCCACTTCGGAGTTCAGACTGACACCCCACATCGACAATTTGGAGGTGGCAAACAGCTT[C>G]GCAGTCACTAATGCTTGTAAGTAATGAATATTCATGCCTTTCGGGTGCTGCACGCGGAAG-3'
Protein context (NP_001077088.2, residues 61-81): HIDNLEVANS[Phe71Leu]AVTNAFCSQF

ClinVar aggregate classification (germline): Uncertain significance (1 of 4 stars; one submission).

Conditions:
Neurodevelopmental disorder with language impairment and behavioral abnormalities. Also called: GRIA2-related neurodevelopmental disorder. Identifiers: MedGen C5394502, MONDO:0030060, OMIM 618917.

Submission:

Institute of Human Genetics, University of Leipzig Medical Center
Classification: Uncertain significance for Neurodevelopmental disorder with language impairment and behavioral abnormalities. Last evaluated: 2026-07-17. Review status: criteria provided, single submitter. Criteria: ACMG Guidelines, 2015. Collection method: clinical testing. Allele origin: unknown. Inheritance: Autosomal dominant inheritance. Affected: yes.
Comment: Criteria applied: PM2,PP2,PP3